The following is an entry in ClinVar:

NM_003001.5(SDHC):c.*103T>C

Gene: SDHC (succinate dehydrogenase complex subunit C; plus strand). Cytogenetic location: 1q23.3.
Variant type: single nucleotide variant.
Coding change: c.*103T>C on transcript NM_003001.5 (MANE Select); 103 bases downstream of the stop codon, T replaced by C.
Molecular consequence: 3 prime UTR variant. On other transcripts: missense variant (3), non-coding transcript variant (1).
Genome position (GRCh38, 1-based): chr1:161,362,536, T>C. VCF-style: chr1-161362536-T-C. GRCh37 (hg19) VCF-style: chr1-161332326-T-C.
Other names: c.*103T>C (NM_001407119.1, NM_001407120.1, NM_001035512.3 and 5 more transcripts); c.392T>C, p.Val131Ala (NM_001407121.1); c.449T>C, p.Val150Ala (NM_001035511.3); c.347T>C, p.Val116Ala (NM_001278172.3); short protein forms V131A, V116A, V150A.
Identifiers: ClinVar variation 5029352 (VCV005029352.1).
Genomic context (GRCh38, chr1:161,362,536, plus strand): 5'-TTCACCCATCTTTCTGTTTGTCATTCTTATCTCCAGCCTGGGAAAAGTTCTCCTTATTTG[T>C]TTAGATCCTTTTGTATTTTCAGATCTCCTTGGAGCAGTAGAGTACCTGGTAGACCATAAT-3'

ClinVar aggregate classification (germline): Uncertain significance (1 of 4 stars; one submission).

Conditions:
Hereditary cancer-predisposing syndrome. Also called: Neoplastic Syndromes, Hereditary; Tumor predisposition; Hereditary neoplastic syndrome; Hereditary Cancer Syndrome. Identifiers: Orphanet 140162, MedGen C0027672, MeSH D009386, MONDO:0015356.

Submission:

Ambry Genetics
Classification: Uncertain significance for Hereditary cancer-predisposing syndrome. Last evaluated: 2026-07-07. Review status: criteria provided, single submitter. Criteria: Ambry Variant Classification Scheme 2023. Collection method: clinical testing. Allele origin: germline.
Comment: The p.V150A variant (also known as c.449T>C), located in coding exon 5 of the SDHC gene, results from a T to C substitution at nucleotide position 449. The valine at codon 150 is replaced by alanine, an amino acid with similar properties. This amino acid position is conserved. In addition, this alteration is predicted to be tolerated by in silico analysis. Based on the available evidence, the clinical significance of this variant remains unclear.